The following is an entry in ClinVar:

ClinVar aggregate classification (germline): Likely benign (1 of 4 stars; one submission).

Conditions:
TMTC4-related condition.

gnomAD v4.1: 4,269 of 1,613,382 alleles (0.26%); highest among the groups gnomAD compares: Non-Finnish European, 0.31%; 7 homozygotes.

Submission:

PreventionGenetics, part of Exact Sciences
Classification: Likely benign for TMTC4-related condition. Last evaluated: 2025-03-24. Review status: criteria provided, single submitter. Criteria: ACMG Guidelines, 2015. Collection method: clinical testing. Allele origin: germline.
Comment: This variant is classified as likely benign based on ACMG/AMP sequence variant interpretation guidelines (Richards et al. 2015 PMID: 25741868, with internal and published modifications).

NM_032813.5(TMTC4):c.2123A>G (p.His708Arg)

Gene: TMTC4 (transmembrane O-mannosyltransferase targeting cadherins 4; minus strand). Cytogenetic location: 13q32.3.
Variant type: single nucleotide variant.
Coding change: c.2123A>G on transcript NM_032813.5 (MANE Select); coding-DNA position 2123, A replaced by G.
Protein change: p.His708Arg; replaces histidine 708 with arginine.
Molecular consequence: missense variant. On other transcripts: non-coding transcript variant (1).
Genome position (GRCh38, 1-based): chr13:100,606,369, T>C on the plus strand (A>G on the coding strand, the complement: TMTC4 is on the minus strand). VCF-style: chr13-100606369-T-C. GRCh37 (hg19) VCF-style: chr13-101258623-T-C.
Other names: c.2066A>G, p.His689Arg (NM_001079669.4, NM_001350572.2); c.1733A>G, p.His578Arg (NM_001286453.3); c.2297A>G, p.His766Arg (NM_001350571.2); c.2240A>G, p.His747Arg (NM_001350574.2); c.2117A>G, p.His706Arg (NM_001350576.2); c.2060A>G, p.His687Arg (NM_001350577.2); short protein forms H706R, H687R, H689R, H747R, H578R, H708R, H766R.
Identifiers: ClinVar variation 4980950 (VCV004980950.1).